The following is an entry in ClinVar:

NM_005343.4(HRAS):c.397C>T (p.Leu133Phe)

Genes: HRAS (HRas proto-oncogene, GTPase; minus strand), LRRC56 (leucine rich repeat containing 56; plus strand). Cytogenetic location: 11p15.5.
Variant type: single nucleotide variant.
Coding change: c.397C>T on transcript NM_005343.4 (MANE Select); coding-DNA position 397, C replaced by T.
Protein change: p.Leu133Phe; replaces leucine 133 with phenylalanine.
Molecular consequence: missense variant. On other transcripts: synonymous variant (1).
Genome position (GRCh38, 1-based): chr11:533,506, G>A on the plus strand (C>T on the coding strand, the complement: HRAS is on the minus strand). VCF-style: chr11-533506-G-A. GRCh37 (hg19) VCF-style: chr11-533506-G-A.
Other names: c.397C>T, p.Leu133Phe (NM_001130442.3, NM_176795.5); c.78C>T, p.Thr26= (NM_001318054.2); c.397C>T (NM_005343.3); short protein forms L133F.
Identifiers: ClinVar variation 531190 (VCV000531190.15), dbSNP rs776888712, ClinGen allele CA5779321.

ClinVar aggregate classification (germline): Conflicting classifications of pathogenicity. Review status: criteria provided, conflicting classifications (1 of 4 stars). 3 submissions from 3 submitters: Uncertain significance (2); Likely benign (1). Last evaluated 2026-01-09.

Conditions:
HRAS-related disorder. Also called: HRAS-related condition.
Cardiovascular phenotype. Identifiers: MedGen CN230736.
Costello syndrome (CSTLO). Also called: HRAS-Related Costello Syndrome; FACIOCUTANEOSKELETAL SYNDROME; FCS SYNDROME. Identifiers: Orphanet 3071, MedGen C0587248, MONDO:0009026, OMIM 218040.

Allele frequency attached by ClinVar (database versions not stated): gnomAD exomes below 0.00001 and 0.00001; ExAC 0.00001; TOPMed 0.00003; gnomAD 0.00004 and 0.00005.
gnomAD v4.1: 9 of 1,613,582 alleles (0.00056%); highest among the groups gnomAD compares: African/African-American, 0.0053%; no homozygotes.

Submissions (3):

Labcorp Genetics (formerly Invitae), Labcorp
Classification: Likely benign for Costello syndrome. Last evaluated: 2026-01-09. Review status: criteria provided, single submitter. Criteria: Invitae Variant Classification Sherloc (09022015). Collection method: clinical testing. Allele origin: germline.

Ambry Genetics
Classification: Uncertain significance for Cardiovascular phenotype. Last evaluated: 2025-12-02. Review status: criteria provided, single submitter. Criteria: Ambry Variant Classification Scheme 2023. Collection method: clinical testing. Allele origin: germline.
Comment: The p.L133F variant (also known as c.397C>T), located in coding exon 3 of the HRAS gene, results from a C to T substitution at nucleotide position 397. The leucine at codon 133 is replaced by phenylalanine, an amino acid with highly similar properties. This amino acid position is conserved. In addition, this alteration is predicted to be tolerated by in silico analysis. Since supporting evidence is limited at this time, the clinical significance of this alteration remains unclear.

PreventionGenetics, part of Exact Sciences
Classification: Uncertain significance for HRAS-related condition. Last evaluated: 2025-06-12. Review status: criteria provided, single submitter. Criteria: ACMG Guidelines, 2015. Collection method: clinical testing. Allele origin: germline.
Comment: The HRAS c.397C>T variant is predicted to result in the amino acid substitution p.Leu133Phe. To our knowledge, this variant has not been reported in the literature. This variant is reported in 0.016% of alleles in individuals of African descent in gnomAD and is interpreted as uncertain in ClinVar. At this time, the clinical significance of this variant is uncertain due to the absence of conclusive functional and genetic evidence.